The following is an entry in ClinVar:

NM_012154.5(AGO2):c.596G>A (p.Trp199Ter)

Genes: AGO2 (argonaute RISC catalytic component 2; minus strand), LOC126860545 (MED14-independent group 3 enhancer GRCh37_chr8:141569579-141570778; plus strand). Cytogenetic location: 8q24.3.
Variant type: single nucleotide variant.
Coding change: c.596G>A on transcript NM_012154.5 (MANE Select); coding-DNA position 596, G replaced by A.
Protein change: p.Trp199Ter; replaces tryptophan 199 with a stop codon.
Molecular consequence: nonsense.
Genome position (GRCh38, 1-based): chr8:140,560,433, C>T on the plus strand (G>A on the coding strand, the complement: AGO2 is on the minus strand). VCF-style: chr8-140560433-C-T. GRCh37 (hg19) VCF-style: chr8-141570532-C-T.
Other names: c.596G>A, p.Trp199Ter (NM_001164623.3); short protein forms W199*.
Identifiers: ClinVar variation 2661941 (VCV002661941.1), dbSNP rs2549626791, ClinGen allele CA372323763.

ClinVar aggregate classification (germline): Uncertain significance (1 of 4 stars; one submission).

Submission:

GeneDx
Classification: Uncertain significance. Last evaluated: 2023-04-24. Review status: criteria provided, single submitter. Criteria: GeneDx Variant Classification Process June 2021. Collection method: clinical testing. Allele origin: germline. Affected: yes.
Comment: Not observed at significant frequency in large population cohorts (gnomAD); Nonsense variant predicted to result in protein truncation or nonsense mediated decay in a gene or region of a gene for which loss of function is not a well-established mechanism of disease; Has not been previously published as pathogenic or benign to our knowledge